The following is an entry in ClinVar:

ClinVar aggregate classification (germline): not provided (0 of 4 stars; one submission).

Submission:

ITMI
No classification provided. Condition: AllHighlyPenetrant. Last evaluated: 2013-09-19. Review status: no classification provided. Collection method: reference population. Allele origin: germline.
Comment: Please see associated publication for description of ethnicities

Literature cited by the submitters: PubMed 24728327.

NM_001127208.3(TET2):c.197T>C (p.Met66Thr)

Genes: TET2 (tet methylcytosine dioxygenase 2; plus strand), TET2-AS1 (TET2 antisense RNA 1; minus strand). Cytogenetic location: 4q24.
Variant type: single nucleotide variant.
Coding change: c.197T>C on transcript NM_001127208.3 (MANE Select); coding-DNA position 197, T replaced by C.
Protein change: p.Met66Thr; replaces methionine 66 with threonine.
Molecular consequence: missense variant.
Genome position (GRCh38, 1-based): chr4:105,234,139, T>C. VCF-style: chr4-105234139-T-C. GRCh37 (hg19) VCF-style: chr4-106155296-T-C.
Other names: c.197T>C, p.Met66Thr (NM_017628.4); short protein forms M66T.
Identifiers: ClinVar variation 135322 (VCV000135322.1), dbSNP rs587778709, ClinGen allele CA162375.